The following is an entry in ClinVar:

ClinVar aggregate classification (germline): Uncertain significance (1 of 4 stars; one submission).

Conditions:
Wilson disease (WND). Also called: Wilson's disease. Identifiers: Orphanet 905, MedGen C0019202, MONDO:0010200, OMIM 277900. Disease mechanism: loss of function.

Submission:

Labcorp Genetics (formerly Invitae), Labcorp
Classification: Uncertain significance for Wilson disease. Last evaluated: 2025-10-27. Review status: criteria provided, single submitter. Criteria: Invitae Variant Classification Sherloc (09022015). Collection method: clinical testing. Allele origin: germline.
Comment: This sequence change replaces isoleucine, which is neutral and non-polar, with asparagine, which is neutral and polar, at codon 857 of the ATP7B protein (p.Ile857Asn). This variant is not present in population databases (gnomAD no frequency). This variant has not been reported in the literature in individuals affected with ATP7B-related conditions. Invitae Evidence Modeling of protein sequence and biophysical properties (such as structural, functional, and spatial information, amino acid conservation, physicochemical variation, residue mobility, and thermodynamic stability) indicates that this missense variant is expected to disrupt ATP7B protein function with a positive predictive value of 80%. This variant disrupts the p.Ile857 amino acid residue in ATP7B. Other variant(s) that disrupt this residue have been determined to be pathogenic (PMID: 14974157, 17317524, 22240481). This suggests that this residue is clinically significant, and that variants that disrupt this residue are likely to be disease-causing. In summary, the available evidence is currently insufficient to determine the role of this variant in disease. Therefore, it has been classified as a Variant of Uncertain Significance.

Literature cited by the submitters: PubMed 14974157; PubMed 17317524; PubMed 22240481.

NM_000053.4(ATP7B):c.2570T>A (p.Ile857Asn)

Gene: ATP7B (ATPase copper transporting beta; minus strand). Cytogenetic location: 13q14.3.
Variant type: single nucleotide variant.
Coding change: c.2570T>A on transcript NM_000053.4 (MANE Select); coding-DNA position 2570, T replaced by A.
Protein change: p.Ile857Asn; replaces isoleucine 857 with asparagine.
Molecular consequence: missense variant. On other transcripts: intron variant (1).
Genome position (GRCh38, 1-based): chr13:51,950,277, A>T on the plus strand (T>A on the coding strand, the complement: ATP7B is on the minus strand). VCF-style: chr13-51950277-A-T. GRCh37 (hg19) VCF-style: chr13-52524413-A-T.
Other names: c.2240T>A, p.Ile747Asn (NM_001406536.1); c.2426T>A, p.Ile809Asn (NM_001406537.1, NM_001406520.1, NM_001406521.1 and 1 more transcripts); c.2336T>A, p.Ile779Asn (NM_001406538.1, NM_001406528.1, NM_001406534.1 and 2 more transcripts); c.2141T>A, p.Ile714Asn (NM_001406539.1); c.2318T>A, p.Ile773Asn (NM_001406540.1, NM_001406531.1, NM_001406532.1 and 1 more transcripts); c.2084T>A, p.Ile695Asn (NM_001406541.1, NM_001406542.1, NM_001005918.3 and 1 more transcripts); c.2222T>A, p.Ile741Asn (NM_001406543.1); c.1988T>A, p.Ile663Asn (NM_001406544.1); and 8 more; short protein forms I641N, I663N, I714N, I695N, I747N, I773N, I779N, I809N.
Identifiers: ClinVar variation 4742875 (VCV004742875.1).